The following is an entry in ClinVar:

NM_003036.4(SKI):c.14C>G (p.Ala5Gly)

Gene: SKI (SKI proto-oncogene; plus strand). Cytogenetic location: 1p36.33.
Variant type: single nucleotide variant.
Coding change: c.14C>G on transcript NM_003036.4 (MANE Select); coding-DNA position 14, C replaced by G.
Protein change: p.Ala5Gly; replaces alanine 5 with glycine.
Molecular consequence: missense variant.
Genome position (GRCh38, 1-based): chr1:2,228,780, C>G. VCF-style: chr1-2228780-C-G. GRCh37 (hg19) VCF-style: chr1-2160219-C-G.
Other names: short protein forms A5G.
Identifiers: ClinVar variation 3318700 (VCV003318700.1).

ClinVar aggregate classification (germline): Uncertain significance (1 of 4 stars; one submission).

Conditions:
Familial thoracic aortic aneurysm and aortic dissection (TAAD). Also called: Thoracic aortic aneurysms and dissections. Identifiers: Orphanet 91387, MedGen C4707243, MONDO:0019625.

Submission:

Ambry Genetics
Classification: Uncertain significance for Familial thoracic aortic aneurysm and aortic dissection. Last evaluated: 2024-03-16. Review status: criteria provided, single submitter. Criteria: Ambry Variant Classification Scheme 2023. Collection method: clinical testing. Allele origin: germline.
Comment: The p.A5G variant (also known as c.14C>G), located in coding exon 1 of the SKI gene, results from a C to G substitution at nucleotide position 14. The alanine at codon 5 is replaced by glycine, an amino acid with similar properties. This amino acid position is conserved. In addition, this alteration is predicted to be tolerated by in silico analysis. Based on the available evidence, the clinical significance of this alteration remains unclear.